The following is an entry in ClinVar:

ClinVar aggregate classification (germline): Uncertain significance. Review status: criteria provided, multiple submitters, no conflicts (2 of 4 stars). 2 submissions from 2 submitters: Uncertain significance (2). Last evaluated 2024-11-14.

Conditions:
Cardiovascular phenotype. Identifiers: MedGen CN230736.
Dilated cardiomyopathy 1J (CMD1J). Also called: CARDIOMYOPATHY, DILATED, WITH SENSORINEURAL HEARING LOSS, AUTOSOMAL DOMINANT. Identifiers: Orphanet 217622, MedGen C1854368, MONDO:0011541, OMIM 605362.

Submissions (2):

Labcorp Genetics (formerly Invitae), Labcorp
Classification: Uncertain significance for Dilated cardiomyopathy 1J. Last evaluated: 2024-11-14. Review status: criteria provided, single submitter. Criteria: Invitae Variant Classification Sherloc (09022015). Collection method: clinical testing. Allele origin: germline.
Comment: This sequence change replaces glutamine, which is neutral and polar, with glutamic acid, which is acidic and polar, at codon 311 of the EYA4 protein (p.Gln311Glu). This variant is not present in population databases (gnomAD no frequency). This variant has not been reported in the literature in individuals affected with EYA4-related conditions. ClinVar contains an entry for this variant (Variation ID: 3091324). Invitae Evidence Modeling of protein sequence and biophysical properties (such as structural, functional, and spatial information, amino acid conservation, physicochemical variation, residue mobility, and thermodynamic stability) indicates that this missense variant is not expected to disrupt EYA4 protein function with a negative predictive value of 80%. In summary, the available evidence is currently insufficient to determine the role of this variant in disease. Therefore, it has been classified as a Variant of Uncertain Significance.

Ambry Genetics
Classification: Uncertain significance for Cardiovascular phenotype. Last evaluated: 2023-12-18. Review status: criteria provided, single submitter. Criteria: Ambry Variant Classification Scheme 2023. Collection method: clinical testing. Allele origin: germline.

NM_004100.5(EYA4):c.931C>G (p.Gln311Glu)

Gene: EYA4 (EYA transcriptional coactivator and phosphatase 4; plus strand). Cytogenetic location: 6q23.2.
Variant type: single nucleotide variant.
Coding change: c.931C>G on transcript NM_004100.5 (MANE Select); coding-DNA position 931, C replaced by G.
Protein change: p.Gln311Glu; replaces glutamine 311 with glutamic acid.
Molecular consequence: missense variant.
Genome position (GRCh38, 1-based): chr6:133,468,692, C>G. VCF-style: chr6-133468692-C-G. GRCh37 (hg19) VCF-style: chr6-133789830-C-G.
Other names: c.769C>G, p.Gln257Glu (NM_001301012.2, NM_001370459.1); c.931C>G, p.Gln311Glu (NM_001301013.2, NM_172105.4); c.862C>G, p.Gln288Glu (NM_001370458.1, NM_172103.4); short protein forms Q288E, Q257E, Q311E.
Identifiers: ClinVar variation 3091324 (VCV003091324.3), dbSNP rs2534670958, ClinGen allele CA365703809.